The following is an entry in ClinVar:

ClinVar aggregate classification (germline): Uncertain significance. Review status: criteria provided, multiple submitters, no conflicts (2 of 4 stars). 2 submissions from 2 submitters: Uncertain significance (2). Last evaluated 2024-01-05.

Conditions:
Tumor predisposition syndrome 3 (TPDS3). Also called: Glioma susceptibility 9; LONG TELOMERE SYNDROME, POT1-RELATED; POT1 Tumor Predisposition; Melanoma, cutaneous malignant, susceptibility to, 10. Identifiers: Orphanet 618, MedGen C4014476, MONDO:0014368, OMIM 615848.

Allele frequency attached by ClinVar (database versions not stated): gnomAD exomes below 0.00001 and 0.00001; gnomAD 0.00001.

Submissions (2):

Labcorp Genetics (formerly Invitae), Labcorp
Classification: Uncertain significance for Tumor predisposition syndrome 3. Last evaluated: 2024-01-05. Review status: criteria provided, single submitter. Criteria: Invitae Variant Classification Sherloc (09022015). Collection method: clinical testing. Allele origin: germline.
Comment: This sequence change replaces asparagine, which is neutral and polar, with aspartic acid, which is acidic and polar, at codon 8 of the POT1 protein (p.Asn8Asp). The frequency data for this variant in the population databases is considered unreliable, as metrics indicate poor data quality at this position in the gnomAD database. This variant has not been reported in the literature in individuals affected with POT1-related conditions. ClinVar contains an entry for this variant (Variation ID: 1014436). Advanced modeling of protein sequence and biophysical properties (such as structural, functional, and spatial information, amino acid conservation, physicochemical variation, residue mobility, and thermodynamic stability) performed at Invitae indicates that this missense variant is not expected to disrupt POT1 protein function with a negative predictive value of 80%. In summary, the available evidence is currently insufficient to determine the role of this variant in disease. Therefore, it has been classified as a Variant of Uncertain Significance.

GeneDx
Classification: Uncertain significance. Last evaluated: 2022-12-13. Review status: criteria provided, single submitter. Criteria: GeneDx Variant Classification Process June 2021. Collection method: clinical testing. Allele origin: germline. Affected: yes.
Comment: Not observed at significant frequency in large population cohorts (gnomAD); In silico analysis supports that this missense variant does not alter protein structure/function; Has not been previously published as pathogenic or benign to our knowledge

NM_015450.3(POT1):c.22A>G (p.Asn8Asp)

Gene: POT1 (protection of telomeres 1; minus strand). Cytogenetic location: 7q31.33.
Variant type: single nucleotide variant.
Coding change: c.22A>G on transcript NM_015450.3 (MANE Select); coding-DNA position 22, A replaced by G.
Protein change: p.Asn8Asp; replaces asparagine 8 with aspartic acid.
Molecular consequence: missense variant. On other transcripts: non-coding transcript variant (3), 5 prime UTR variant (1).
Genome position (GRCh38, 1-based): chr7:124,892,368, T>C on the plus strand (A>G on the coding strand, the complement: POT1 is on the minus strand). VCF-style: chr7-124892368-T-C. GRCh37 (hg19) VCF-style: chr7-124532422-T-C.
Other names: c.22A>G (NM_015450.2); c.-241A>G (NM_001042594.2); short protein forms N8D.
Identifiers: ClinVar variation 1014436 (VCV001014436.7), dbSNP rs1454480268, ClinGen allele CA369066299.
Genomic context (GRCh38, chr7:124,892,368, plus strand): 5'-CACCATAGACATTGACAATTGTACCACCCTTAAGTTGATTCAGGGGTGTATATATATAAT[T>C]TGTTGCTGGAACCTAAAGAAAGAGAAGACAGTGAATACATTTATACAAAGTATTTACATT-3'
Protein context (NP_056265.2, residues 1-18): MSLVPAT[Asn8Asp]YIYTPLNQLK